The following is an entry in ClinVar:

ClinVar aggregate classification (germline): Uncertain significance (1 of 4 stars; one submission).

Conditions:
Inborn genetic diseases. Identifiers: MedGen C0950123, MeSH D030342.

Submission:

Ambry Genetics
Classification: Uncertain significance for Inborn genetic diseases. Last evaluated: 2024-11-01. Review status: criteria provided, single submitter. Criteria: Ambry Variant Classification Scheme 2023. Collection method: clinical testing. Allele origin: germline.
Comment: The p.K825E variant (also known as c.2473A>G), located in coding exon 19 of the LRRK2 gene, results from an A to G substitution at nucleotide position 2473. The lysine at codon 825 is replaced by glutamic acid, an amino acid with similar properties. This amino acid position is conserved. In addition, the in silico prediction for this alteration is inconclusive. Based on the available evidence, the clinical significance of this variant remains unclear.

NM_198578.4(LRRK2):c.2473A>G (p.Lys825Glu)

Gene: LRRK2 (leucine rich repeat kinase 2; plus strand). Cytogenetic location: 12q12.
Variant type: single nucleotide variant.
Coding change: c.2473A>G on transcript NM_198578.4 (MANE Select); coding-DNA position 2473, A replaced by G.
Protein change: p.Lys825Glu; replaces lysine 825 with glutamic acid.
Molecular consequence: missense variant.
Genome position (GRCh38, 1-based): chr12:40,284,106, A>G. VCF-style: chr12-40284106-A-G. GRCh37 (hg19) VCF-style: chr12-40677908-A-G.
Other names: short protein forms K825E.
Identifiers: ClinVar variation 3540763 (VCV003540763.1).